The following is an entry in ClinVar:

ClinVar aggregate classification (germline): Pathogenic (1 of 4 stars; one submission).

Conditions:
Multiple congenital exostosis (EXT). Also called: MULTIPLE CARTILAGINOUS EXOSTOSES; Multiple exostoses; Hereditary multiple osteochondromas; Hereditary multiple exostoses; Hereditary multiple exostosis; Multiple osteochondromas. Identifiers: Orphanet 321, MedGen C0015306, MONDO:0005508, HP:0002762.

Submission:

Labcorp Genetics (formerly Invitae), Labcorp
Classification: Pathogenic for Multiple congenital exostosis. Last evaluated: 2024-10-10. Review status: criteria provided, single submitter. Criteria: Invitae Variant Classification Sherloc (09022015). Collection method: clinical testing. Allele origin: germline.
Comment: This sequence change creates a premature translational stop signal (p.Ile401Asnfs*5) in the EXT1 gene. It is expected to result in an absent or disrupted protein product. Loss-of-function variants in EXT1 are known to be pathogenic (PMID: 10679937, 11391482, 19810120). This variant is not present in population databases (gnomAD no frequency). This premature translational stop signal has been observed in individual(s) with hereditary multiple exostoses (PMID: 11170095). This variant is also known as 1198-1199insA. For these reasons, this variant has been classified as Pathogenic.

Literature cited by the submitters: PubMed 10679937; PubMed 11391482; PubMed 19810120; PubMed 11170095.

NM_000127.3(EXT1):c.1201dup (p.Ile401fs)

Gene: EXT1 (exostosin glycosyltransferase 1; minus strand). Cytogenetic location: 8q24.11.
Variant type: Duplication.
Coding change: c.1201dup on transcript NM_000127.3 (MANE Select); coding-DNA position 1201, one base duplicated (A; older notation c.1201dupA).
Protein change: p.Ile401fs; shifts the reading frame from isoleucine 401.
Molecular consequence: frameshift variant.
Genome position (GRCh38, 1-based): chr8:117,830,313, T duplicated on the plus strand (A on the coding strand, the reverse complement: EXT1 is on the minus strand); the first of 4 consecutive T bases (chr8:117,830,313-117,830,316); duplicating any one gives the same sequence. VCF-style (leftmost placement, unchanged base first): chr8-117830312-A-AT. GRCh37 (hg19) VCF-style: chr8-118842551-A-AT.
Other names: short protein forms I401fs.
Identifiers: ClinVar variation 3720865 (VCV003720865.2).